The following is an entry in ClinVar:

NM_024675.4(PALB2):c.2225C>T (p.Ser742Phe)

Gene: PALB2 (partner and localizer of BRCA2; minus strand). Cytogenetic location: 16p12.2.
Variant type: single nucleotide variant.
Coding change: c.2225C>T on transcript NM_024675.4 (MANE Select); coding-DNA position 2225, C replaced by T.
Protein change: p.Ser742Phe; replaces serine 742 with phenylalanine.
Molecular consequence: missense variant.
Genome position (GRCh38, 1-based): chr16:23,629,929, G>A on the plus strand (C>T on the coding strand, the complement: PALB2 is on the minus strand). VCF-style: chr16-23629929-G-A. GRCh37 (hg19) VCF-style: chr16-23641250-G-A.
Other names: short protein forms S742F.
Identifiers: ClinVar variation 460932 (VCV000460932.14), dbSNP rs1555460437, ClinGen allele CA395125541.

ClinVar aggregate classification (germline): Uncertain significance. Review status: criteria provided, multiple submitters, no conflicts (2 of 4 stars). 2 submissions from 2 submitters: Uncertain significance (2). Last evaluated 2024-04-05.

Conditions:
Hereditary cancer-predisposing syndrome. Also called: Neoplastic Syndromes, Hereditary; Hereditary Cancer Syndrome; Hereditary neoplastic syndrome; Tumor predisposition. Identifiers: Orphanet 140162, MedGen C0027672, MeSH D009386, MONDO:0015356.
Familial cancer of breast. Also called: BREAST CANCER, FAMILIAL; Hereditary breast cancer; hereditary breast carcinoma. Identifiers: Orphanet 227535, MedGen C0346153, MONDO:0016419, OMIM 114480. Disease mechanism: loss of function.

Allele frequency attached by ClinVar (database versions not stated): gnomAD exomes below 0.00001.
gnomAD v4.1: 1 of 1,614,184 alleles (0.000062%); highest among the groups gnomAD compares: Non-Finnish European, 0.000085%; no homozygotes.

Submissions (2):

Labcorp Genetics (formerly Invitae), Labcorp
Classification: Uncertain significance for Familial cancer of breast. Last evaluated: 2024-04-05. Review status: criteria provided, single submitter. Criteria: Invitae Variant Classification Sherloc (09022015). Collection method: clinical testing. Allele origin: germline.
Comment: This sequence change replaces serine, which is neutral and polar, with phenylalanine, which is neutral and non-polar, at codon 742 of the PALB2 protein (p.Ser742Phe). This variant is not present in population databases (gnomAD no frequency). This variant has not been reported in the literature in individuals affected with PALB2-related conditions. ClinVar contains an entry for this variant (Variation ID: 460932). Advanced modeling of protein sequence and biophysical properties (such as structural, functional, and spatial information, amino acid conservation, physicochemical variation, residue mobility, and thermodynamic stability) performed at Invitae indicates that this missense variant is not expected to disrupt PALB2 protein function with a negative predictive value of 80%. In summary, the available evidence is currently insufficient to determine the role of this variant in disease. Therefore, it has been classified as a Variant of Uncertain Significance.

Ambry Genetics
Classification: Uncertain significance for Hereditary cancer-predisposing syndrome. Last evaluated: 2024-02-24. Review status: criteria provided, single submitter. Criteria: Ambry Variant Classification Scheme 2023. Collection method: clinical testing. Allele origin: germline.
Comment: The p.S742F variant (also known as c.2225C>T), located in coding exon 5 of the PALB2 gene, results from a C to T substitution at nucleotide position 2225. The serine at codon 742 is replaced by phenylalanine, an amino acid with highly dissimilar properties. This amino acid position is poorly conserved in available vertebrate species. In addition, this alteration is predicted to be tolerated by in silico analysis. Since supporting evidence is limited at this time, the clinical significance of this alteration remains unclear.